The following is an entry in ClinVar:

ClinVar aggregate classification (germline): Likely benign (0 of 4 stars; one submission).

Conditions:
NCOA1-related disorder. Also called: NCOA1-related condition.

Allele frequency attached by ClinVar (database versions not stated): gnomAD 0.00001; TOPMed 0.00002; ExAC 0.00003; ESP Exome Variant Server 0.00008.
gnomAD v4.1: 88 of 1,600,866 alleles (0.0055%); highest among the groups gnomAD compares: Non-Finnish European, 0.0074%; no homozygotes.

Submissions (2):

PreventionGenetics, part of Exact Sciences
Classification: Likely benign for NCOA1-related condition. Last evaluated: 2022-03-21. Review status: no assertion criteria provided. Collection method: clinical testing. Allele origin: germline.
Comment: This variant is classified as likely benign based on ACMG/AMP sequence variant interpretation guidelines (Richards et al. 2015 PMID: 25741868, with internal and published modifications).

Dr. Peter K. Rogan Lab, Western University
No classification provided (evidence only). Condition: Acute myeloid leukemia. Review status: no classification provided. Collection method: in vitro. Allele origin: not applicable. Functional consequence: retained intron. Not counted in ClinVar's aggregate classification.

NM_003743.5(NCOA1):c.3707-10C>A

Gene: NCOA1 (nuclear receptor coactivator 1; plus strand). Cytogenetic location: 2p23.3.
Variant type: single nucleotide variant.
Coding change: c.3707-10C>A on transcript NM_003743.5 (MANE Select); 10 bases into the intron before coding-DNA position 3707, C replaced by A.
Molecular consequence: intron variant.
Genome position (GRCh38, 1-based): chr2:24,751,972, C>A. VCF-style: chr2-24751972-C-A. GRCh37 (hg19) VCF-style: chr2-24974841-C-A.
Other names: NC_000002.11:g.24974841C>A; c.3707-10C>A (NM_001362950.1, NM_147223.3, NM_001362955.1 and 3 more transcripts).
Identifiers: ClinVar variation 3043047 (VCV003043047.3), dbSNP rs377167840, ClinGen allele CA1552696.